The following is an entry in ClinVar:

ClinVar aggregate classification (germline): Uncertain significance (1 of 4 stars; one submission).

Submission:

GeneDx
Classification: Uncertain significance. Last evaluated: 2023-03-01. Review status: criteria provided, single submitter. Criteria: GeneDx Variant Classification Process June 2021. Collection method: clinical testing. Allele origin: germline. Affected: yes.
Comment: Not observed at significant frequency in large population cohorts (gnomAD); In silico analysis supports that this missense variant does not alter protein structure/function; Has not been previously published as pathogenic or benign to our knowledge

NM_001379110.1(SLC9A6):c.-27G>A

Gene: SLC9A6 (solute carrier family 9 member A6; plus strand). Cytogenetic location: Xq26.3.
Variant type: single nucleotide variant.
Coding change: c.-27G>A on transcript NM_001379110.1 (MANE Select); 27 bases upstream of the start codon, G replaced by A.
Molecular consequence: 5 prime UTR variant. On other transcripts: missense variant (2).
Genome position (GRCh38, 1-based): chrX:135,985,632, G>A. VCF-style: chrX-135985632-G-A. GRCh37 (hg19) VCF-style: chrX-135067791-G-A.
Other names: c.130G>A, p.Asp44Asn (NM_001042537.2, NM_006359.3); c.-27G>A (NM_001177651.2, NM_001330652.2, NM_001400909.1 and 4 more transcripts); short protein forms D44N.
Identifiers: ClinVar variation 2578270 (VCV002578270.1), dbSNP rs2521064691, ClinGen allele CA414606575.